The following is an entry in ClinVar:

ClinVar aggregate classification (germline): Likely pathogenic (1 of 4 stars; one submission).

Submission:

Illumina Laboratory Services, Illumina
Classification: Likely pathogenic. Last evaluated: 2023-02-14. Review status: criteria provided, single submitter. Criteria: ICSL CNVClassificationCriteria Aug2020. Collection method: clinical testing. Allele origin: unknown.
Comment: This CNV is a 71 kb deletion of 2p16.3 on chromosome 2, (seq[GRCh37]del(2)(2p16.3);NC_000002.11:g.51149000_51220337del), which is inherited. This CNV constitutes an in-frame loss of exons 4-6 of the NRXN1 gene. Across a selection of the available literature, similar in-frame deletions of the same exons have been reported in at least 15 individuals with autistic behavior, developmental delays, intellectual disability, dysmorphism, congenital malformations, and other features (PMID: 23495017; PMID: 20468056; PMID: 21827697; PMID: 22617343; PMID: 31932357; PMID: 29165669; PMID: 25408897). In some cases, the deletion was inherited from an unaffected parent. A similar deletion also occurred de novo in at least two cases, although in one individual additional variants were identified that were thought to contribute to the phenotype. Similar deletions have also been reported in several controls (PMID: 21841781; PMID: 24174537; PMID: 23495017), consistent with the reduced penetrance and variable expressivity associated with intragenic deletions of NRXN1. Based on the available evidence, this CNV is classified as likely pathogenic.

Single allele

Gene: NRXN1 (neurexin 1; minus strand). Cytogenetic location: 2p16.3.
Variant type: Deletion.
Identifiers: ClinVar variation 2671590 (VCV002671590.1).